The following is an entry in ClinVar:

ClinVar aggregate classification (germline): conflicting data from submitters (0 of 4 stars; one submission).

Submission:

ISCA site 1
Classification: conflicting data from submitters. Last evaluated: 2014-07-18. Review status: no assertion criteria provided. Collection method: clinical testing. Allele origin: unknown, maternal. Affected: yes. Observed: 2 variant alleles.
Comment: Uncertain significance(1), Likely benign (1)

Copy number variation identified through the course of routine clinical cytogenomic testing in postnatal populations, with clinical assertions as classified by the original submitter. For data from the original published study, Kaminsky, et al. 2011 (PubMed 21844811), please see nstd101.

GRCh38/hg38 4p16.2-16.1(chr4:5802938-6159712)x3

Genes: C4orf50 (chromosome 4 open reading frame 50; minus strand), CRMP1 (collapsin response mediator protein 1; minus strand), EVC (EvC ciliary complex subunit 1; plus strand), JAKMIP1 (janus kinase and microtubule interacting protein 1; minus strand), MIR378D1 (microRNA 378d-1; minus strand) and 8 more. Cytogenetic location: 4p16.2-16.1.
Variant type: copy number gain.
Change: copy number 3 (three copies instead of two) of chr4:5,802,938-6,159,712 (356.8 kb, GRCh38 coordinates, 1-based), cytogenetic band 4p16.2-16.1.
Identifiers: ClinVar variation 154067 (VCV000154067.2).